The following is an entry in ClinVar:

NM_015338.6(ASXL1):c.1598C>T (p.Ala533Val)

Gene: ASXL1 (ASXL transcriptional regulator 1; plus strand). Cytogenetic location: 20q11.21.
Variant type: single nucleotide variant.
Coding change: c.1598C>T on transcript NM_015338.6 (MANE Select); coding-DNA position 1598, C replaced by T.
Protein change: p.Ala533Val; replaces alanine 533 with valine.
Molecular consequence: missense variant.
Genome position (GRCh38, 1-based): chr20:32,433,796, C>T. VCF-style: chr20-32433796-C-T. GRCh37 (hg19) VCF-style: chr20-31021599-C-T.
Other names: c.1415C>T, p.Ala472Val (NM_001363734.1); short protein forms A472V, A533V.
Identifiers: ClinVar variation 4864690 (VCV004864690.1).

ClinVar aggregate classification (germline): Uncertain significance (1 of 4 stars; one submission).

Conditions:
Inborn genetic diseases. Identifiers: MedGen C0950123, MeSH D030342.

gnomAD v4.1: 1 of 1,614,220 alleles (0.000062%); highest among the groups gnomAD compares: Non-Finnish European, 0.000085%; no homozygotes.

Submission:

Ambry Genetics
Classification: Uncertain significance for Inborn genetic diseases. Last evaluated: 2026-05-18. Review status: criteria provided, single submitter. Criteria: Ambry Variant Classification Scheme 2023. Collection method: clinical testing. Allele origin: germline.
Comment: The p.A533V variant (also known as c.1598C>T), located in coding exon 12 of the ASXL1 gene, results from a C to T substitution at nucleotide position 1598. The alanine at codon 533 is replaced by valine, an amino acid with similar properties. This amino acid position is conserved. In addition, this alteration is predicted to be tolerated by in silico analysis. Based on the available evidence, the clinical significance of this variant remains unclear.